The following is an entry in ClinVar:

NC_000019.9:g.(?_49484767)_(49486114_?)del

Gene: GYS1 (glycogen synthase 1; minus strand). Cytogenetic location: 19q13.33.
Variant type: Deletion.
Identifiers: ClinVar variation 3248455 (VCV003248455.1).

ClinVar aggregate classification (germline): Pathogenic (1 of 4 stars; one submission).

Conditions:
Glycogen storage disease due to muscle and heart glycogen synthase deficiency. Also called: MUSCLE GLYCOGEN SYNTHASE DEFICIENCY; GSD 0b. Identifiers: Orphanet 137625, MedGen C1969054, MONDO:0012693, OMIM 611556.

Submission:

Labcorp Genetics (formerly Invitae), Labcorp
Classification: Pathogenic for Glycogen storage disease due to muscle and heart glycogen synthase deficiency. Last evaluated: 2023-12-10. Review status: criteria provided, single submitter. Criteria: Invitae Variant Classification Sherloc (09022015). Collection method: clinical testing. Allele origin: unknown.
Comment: This variant is a gross deletion of the genomic region encompassing exon(s) 6-8 of the GYS1 gene. This deletion is out-of-frame, and is expected to create a premature termination codon and result in an absent or disrupted protein product. Loss-of-function variants in GYS1 are known to be pathogenic (PMID: 17928598, 19699667). This variant has not been reported in the literature in individuals affected with GYS1-related conditions. For these reasons, this variant has been classified as Pathogenic.

Literature cited by the submitters: PubMed 17928598; PubMed 19699667.